The following is an entry in ClinVar:

ClinVar aggregate classification (germline): Uncertain significance. Review status: criteria provided, multiple submitters, no conflicts (2 of 4 stars). 3 submissions from 3 submitters: Uncertain significance (3). Last evaluated 2025-06-18.

Conditions:
Inborn genetic diseases. Identifiers: MedGen C0950123, MeSH D030342.
Early Myoclonic Encephalopathy. Identifiers: MedGen C0270855.

Submissions (3):

GeneDx
Classification: Uncertain significance. Last evaluated: 2025-06-18. Review status: criteria provided, single submitter. Criteria: GeneDx Variant Classification Process June 2021. Collection method: clinical testing. Allele origin: germline. Affected: yes.
Comment: Not observed at significant frequency in large population cohorts (gnomAD); In silico analysis suggests that this missense variant does not alter protein structure/function; Has not been previously published as pathogenic or benign to our knowledge

Labcorp Genetics (formerly Invitae), Labcorp
Classification: Uncertain significance for Early Myoclonic Encephalopathy. Last evaluated: 2025-03-19. Review status: criteria provided, single submitter. Criteria: Invitae Variant Classification Sherloc (09022015). Collection method: clinical testing. Allele origin: germline.
Comment: This sequence change replaces lysine, which is basic and polar, with arginine, which is basic and polar, at codon 217 of the KCND2 protein (p.Lys217Arg). This variant is not present in population databases (gnomAD no frequency). This variant has not been reported in the literature in individuals affected with KCND2-related conditions. ClinVar contains an entry for this variant (Variation ID: 2476763). Invitae Evidence Modeling of protein sequence and biophysical properties (such as structural, functional, and spatial information, amino acid conservation, physicochemical variation, residue mobility, and thermodynamic stability) indicates that this missense variant is not expected to disrupt KCND2 protein function with a negative predictive value of 95%. In summary, the available evidence is currently insufficient to determine the role of this variant in disease. Therefore, it has been classified as a Variant of Uncertain Significance.

Ambry Genetics
Classification: Uncertain significance for Inborn genetic diseases. Last evaluated: 2023-01-20. Review status: criteria provided, single submitter. Criteria: Ambry Variant Classification Scheme 2023. Collection method: clinical testing. Allele origin: germline.

NM_012281.3(KCND2):c.650A>G (p.Lys217Arg)

Gene: KCND2 (potassium voltage-gated channel subfamily D member 2; plus strand). Cytogenetic location: 7q31.31.
Variant type: single nucleotide variant.
Coding change: c.650A>G on transcript NM_012281.3 (MANE Select); coding-DNA position 650, A replaced by G.
Protein change: p.Lys217Arg; replaces lysine 217 with arginine.
Molecular consequence: missense variant.
Genome position (GRCh38, 1-based): chr7:120,275,282, A>G. VCF-style: chr7-120275282-A-G. GRCh37 (hg19) VCF-style: chr7-119915336-A-G.
Other names: short protein forms K217R.
Identifiers: ClinVar variation 2476763 (VCV002476763.6), dbSNP rs2546907421, ClinGen allele CA369132083.